The following is an entry in ClinVar:

ClinVar aggregate classification (germline): Likely benign (1 of 4 stars; one submission).

Allele frequency attached by ClinVar (database versions not stated): 1000 Genomes Project 0.00020; 1000 Genomes Project 30x 0.00031; TOPMed 0.00065; gnomAD 0.00074; gnomAD exomes 0.00204.
gnomAD v4.1: 1,809 of 984,114 alleles (0.18%); highest among the groups gnomAD compares: South Asian, 0.31%; no homozygotes.

Submission:

CeGaT Center for Human Genetics Tuebingen
Classification: Likely benign. Last evaluated: 2026-09-01. Review status: criteria provided, single submitter. Criteria: CeGaT Center For Human Genetics Tuebingen Variant Classification Criteria Version 2. Collection method: clinical testing. Allele origin: germline. Affected: yes. Observed: 2 variant alleles.
Comment: KIDINS220: BP4, BS1

NM_020738.4(KIDINS220):c.3586-3162A>G

Gene: KIDINS220 (kinase D interacting substrate 220; minus strand). Cytogenetic location: 2p25.1.
Variant type: single nucleotide variant.
Coding change: c.3586-3162A>G on transcript NM_020738.4 (MANE Select); 3162 bases into the intron before coding-DNA position 3586, A replaced by G.
Molecular consequence: intron variant.
Genome position (GRCh38, 1-based): chr2:8,740,161, T>C on the plus strand (A>G on the coding strand, the complement: KIDINS220 is on the minus strand). VCF-style: chr2-8740161-T-C. GRCh37 (hg19) VCF-style: chr2-8880291-T-C.
Other names: c.3415-3162A>G (NM_001348741.2, NM_001348742.2, NM_001348743.2 and 1 more transcripts); c.3529-3162A>G (NM_001348738.2, NM_001348732.2); c.3418-3162A>G (NM_001348739.2, NM_001348740.2, NM_001348734.2); c.3532-3162A>G (NM_001348731.2); c.3589-3162A>G (NM_001348729.2); c.3289-3162A>G (NM_001348736.2).
Identifiers: ClinVar variation 2650650 (VCV002650650.24), dbSNP rs545804957, ClinGen allele CA42331517.
Genomic context (GRCh38, chr2:8,740,161, plus strand): 5'-GCTTCTAGTAGTCTAATAAGAAAAGTAAGATTTCATTGAGAGTTTCTGTACCTGTCTCTG[T>C]TTGTTAAACCCAGAGTCACACAGCTTTAAGGAAGGAATAAAACACAGTGAAGGACAAGAG-3'